The following is an entry in ClinVar:

ClinVar aggregate classification (germline): Uncertain significance (1 of 4 stars; one submission).

Conditions:
Sjögren-Larsson syndrome (SLS). Also called: ICHTHYOSIS, SPASTIC NEUROLOGIC DISORDER, AND OLIGOPHRENIA; FALDH DEFICIENCY; FATTY ALCOHOL:NAD+ OXIDOREDUCTASE DEFICIENCY; FATTY ALDEHYDE DEHYDROGENASE DEFICIENCY. Identifiers: Orphanet 816, MedGen C0037231, MONDO:0010031, OMIM 270200.

Submission:

Diagnostics Services (NGS), CSIR - Centre For Cellular And Molecular Biology
Classification: Uncertain significance for Sjögren-Larsson syndrome. Last evaluated: 2023-02-27. Review status: criteria provided, single submitter. Criteria: ACMG Guidelines, 2015. Collection method: clinical testing. Allele origin: germline. Affected: yes. Observed: 1 variant allele, 1 homozygote.
Comment: The c.993A>C variant is not present in publicly available population databases like 1000 Genomes, ExAC, EVS, Indian Exome Database or our in-house exome database. This variant has neither been published in literature nor reported to clinical databases like ClinVar, Human Gene Mutation Database (HGMD) or OMIM, in any affected individuals. In silico pathogenicity prediction programs like SIFT, PolyPhen2, MutationTaster2, CADD etc predicted this variant to be likely deleterious, however these were not confirmed by published functional studies.

NM_000382.3(ALDH3A2):c.993A>C (p.Glu331Asp)

Gene: ALDH3A2 (aldehyde dehydrogenase 3 family member A2; plus strand). Cytogenetic location: 17p11.2.
Variant type: single nucleotide variant.
Coding change: c.993A>C on transcript NM_000382.3 (MANE Select); coding-DNA position 993, A replaced by C.
Protein change: p.Glu331Asp; replaces glutamic acid 331 with aspartic acid.
Molecular consequence: missense variant.
Genome position (GRCh38, 1-based): chr17:19,663,385, A>C. VCF-style: chr17-19663385-A-C. GRCh37 (hg19) VCF-style: chr17-19566698-A-C.
Other names: c.993A>C, p.Glu331Asp (NM_001031806.2, NM_001369136.1, NM_001369137.2 and 3 more transcripts); c.414A>C, p.Glu138Asp (NM_001369148.2); short protein forms E138D, E331D.
Identifiers: ClinVar variation 2430377 (VCV002430377.3), dbSNP rs2544389260, ClinGen allele CA398709937.
Genomic context (GRCh38, chr17:19,663,385, plus strand): 5'-CTTTTTAGCCCCAACAGTACTTACCGATGTTGATCCTAAAACCAAGGTGATGCAAGAAGA[A>C]ATTTTTGGACCAATTCTTCCAATAGTGCCTGTGAAAAATGTAGATGAGGCCATAAATTTC-3'
Protein context (NP_000373.1, residues 321-341): VDPKTKVMQE[Glu331Asp]IFGPILPIVP